The following is an entry in ClinVar:

NM_002447.4(MST1R):c.965G>A (p.Arg322Gln)

Gene: MST1R (macrophage stimulating 1 receptor; minus strand). Cytogenetic location: 3p21.31.
Variant type: single nucleotide variant.
Coding change: c.965G>A on transcript NM_002447.4 (MANE Select); coding-DNA position 965, G replaced by A.
Protein change: p.Arg322Gln; replaces arginine 322 with glutamine.
Molecular consequence: missense variant. On other transcripts: non-coding transcript variant (1).
Genome position (GRCh38, 1-based): chr3:49,902,645, C>T on the plus strand (G>A on the coding strand, the complement: MST1R is on the minus strand). VCF-style: chr3-49902645-C-T. GRCh37 (hg19) VCF-style: chr3-49940078-C-T.
Other names: NC_000003.11:g.49940078C>T; c.965G>A, p.Arg322Gln (NM_001244937.3, NM_001318913.2); short protein forms R322Q.
Identifiers: ClinVar variation 3060844 (VCV003060844.3), dbSNP rs2230593, ClinGen allele CA2409347.

ClinVar aggregate classification (germline): Benign (0 of 4 stars; one submission).

Conditions:
MST1R-related disorder. Also called: MST1R-related condition.

Allele frequency attached by ClinVar (database versions not stated): 1000 Genomes Project 0.02037; 1000 Genomes Project 30x 0.02046; gnomAD 0.04309; TOPMed 0.04330; ExAC 0.04376; ESP Exome Variant Server 0.05082.
gnomAD v4.1: 94,473 of 1,613,442 alleles (5.9%); highest among the groups gnomAD compares: Non-Finnish European, 7%; 3,197 homozygotes.

Submissions (9):

PreventionGenetics, part of Exact Sciences
Classification: Benign for MST1R-related condition. Last evaluated: 2019-11-04. Review status: no assertion criteria provided. Collection method: clinical testing. Allele origin: germline.
Comment: This variant is classified as benign based on ACMG/AMP sequence variant interpretation guidelines (Richards et al. 2015 PMID: 25741868, with internal and published modifications).

Dr. Peter K. Rogan Lab, Western University
No classification provided (evidence only). Condition: Acute myeloid leukemia. Review status: no classification provided. Collection method: in vitro. Allele origin: not applicable. Functional consequence: retained intron. Not counted in ClinVar's aggregate classification.

Dr. Peter K. Rogan Lab, Western University
No classification provided (evidence only). Condition: Acute myeloid leukemia. Review status: no classification provided. Collection method: in vitro. Allele origin: not applicable. Functional consequence: retained intron. Not counted in ClinVar's aggregate classification.

Dr. Peter K. Rogan Lab, Western University
No classification provided (evidence only). Condition: Acute myeloid leukemia. Review status: no classification provided. Collection method: in vitro. Allele origin: not applicable. Functional consequence: retained intron. Not counted in ClinVar's aggregate classification.

Dr. Peter K. Rogan Lab, Western University
No classification provided (evidence only). Condition: Colorectal cancer. Review status: no classification provided. Collection method: in vitro. Allele origin: not applicable. Functional consequence: retained intron. Not counted in ClinVar's aggregate classification.

Dr. Peter K. Rogan Lab, Western University
No classification provided (evidence only). Condition: Colorectal cancer. Review status: no classification provided. Collection method: in vitro. Allele origin: not applicable. Functional consequence: retained intron. Not counted in ClinVar's aggregate classification.

Dr. Peter K. Rogan Lab, Western University
No classification provided (evidence only). Condition: Nonpapillary renal cell carcinoma. Review status: no classification provided. Collection method: in vitro. Allele origin: not applicable. Functional consequence: retained intron. Not counted in ClinVar's aggregate classification.

Dr. Peter K. Rogan Lab, Western University
No classification provided (evidence only). Condition: Thymoma. Review status: no classification provided. Collection method: in vitro. Allele origin: not applicable. Functional consequence: retained intron. Not counted in ClinVar's aggregate classification.

Dr. Peter K. Rogan Lab, Western University
No classification provided (evidence only). Condition: Thymoma. Review status: no classification provided. Collection method: in vitro. Allele origin: not applicable. Functional consequence: retained intron. Not counted in ClinVar's aggregate classification.